The following is an entry in ClinVar:

ClinVar aggregate classification (germline): Pathogenic (0 of 4 stars; one submission).

Conditions:
Fanconi anemia complementation group A (FANCA). Also called: Fanconi anemia, group A; FANCA-Related Fanconi Anemia. Identifiers: Orphanet 84, MedGen C3469521, MONDO:0009215, OMIM 227650.

Submission:

Leiden Open Variation Database
Classification: Pathogenic for Fanconi anemia complementation group A. Last evaluated: 2020-02-28. Review status: no assertion criteria provided. Collection method: curation. Allele origin: germline. Affected: yes.
Comment: Curator: Arleen D. Auerbach. Submitter to LOVD: Arleen D. Auerbach.

NM_000135.4(FANCA):c.4064_4065dup (p.Val1356fs)

Genes: FANCA (FA complementation group A; minus strand), ZNF276 (zinc finger protein 276; plus strand). Cytogenetic location: 16q24.3.
Variant type: Duplication.
Coding change: c.4064_4065dup on transcript NM_000135.4 (MANE Select); coding-DNA positions 4064 to 4065, 2 bases duplicated (AT; older notation c.4064_4065dupAT).
Protein change: p.Val1356fs; shifts the reading frame from valine 1356.
Molecular consequence: frameshift variant. On other transcripts: 3 prime UTR variant (2), non-coding transcript variant (4).
Genome position (GRCh38, 1-based): chr16:89,739,235-89,739,236, AT duplicated on the plus strand (AT on the coding strand, the reverse complement: FANCA is on the minus strand). VCF-style (leftmost placement, unchanged base first): chr16-89739234-C-CAT. GRCh37 (hg19) VCF-style: chr16-89805642-C-CAT.
Other names: c.4064_4065dup, p.Val1356fs (NM_001286167.3); c.*989_*990dup (NM_001113525.2, NM_152287.4); short protein forms V1356fs.
Identifiers: ClinVar variation 974067 (VCV000974067.1), dbSNP rs2062057713, ClinGen allele CA1139664945.